The following is an entry in ClinVar:

NM_001005242.3(PKP2):c.2148_2149del (p.Leu718fs)

Gene: PKP2 (plakophilin 2; minus strand). Cytogenetic location: 12p11.21.
Variant type: Deletion.
Coding change: c.2148_2149del on transcript NM_001005242.3 (MANE Select); coding-DNA positions 2148 to 2149, 2 bases deleted (TT; older notation c.2148_2149delTT).
Protein change: p.Leu718fs; shifts the reading frame from leucine 718.
Molecular consequence: frameshift variant.
Genome position (GRCh38, 1-based): chr12:32,802,421-32,802,422, AA deleted on the plus strand (TT on the coding strand, the reverse complement: PKP2 is on the minus strand); deleting any 2 consecutive bases within chr12:32,802,421-32,802,423 gives the same sequence; the c. name uses the placement nearest the transcript's 3' end. VCF-style (leftmost placement, unchanged base first): chr12-32802420-GAA-G. GRCh37 (hg19) VCF-style: chr12-32955354-GAA-G.
Other names: c.2280_2281del, p.Leu762fs (NM_004572.4); c.2280_2281delTT (NM_004572.3); short protein forms L718fs, L762fs.
Identifiers: ClinVar variation 640578 (VCV000640578.8), dbSNP rs1592729525, ClinGen allele CA915948389.

ClinVar aggregate classification (germline): Pathogenic. Review status: criteria provided, multiple submitters, no conflicts (2 of 4 stars). 3 submissions from 3 submitters: Pathogenic (3). Last evaluated 2025-09-15.

Conditions:
Cardiomyopathy (CMYO). Also called: Cardiomyopathies. Identifiers: Orphanet 167848, MedGen C0878544, MONDO:0004994, HP:0001638. Inheritance: Various modes of inheritance.
Arrhythmogenic right ventricular dysplasia 9 (ARVD9). Also called: ARRHYTHMOGENIC RIGHT VENTRICULAR DYSPLASIA, FAMILIAL, 9; Arrhythmogenic Right Ventricular Dysplasia/Cardiomyopathy 9. Identifiers: MedGen C1836906, MONDO:0012180, OMIM 609040.
Cardiovascular phenotype. Identifiers: MedGen CN230736.

Submissions (3):

Ambry Genetics
Classification: Pathogenic for Cardiovascular phenotype. Last evaluated: 2025-09-15. Review status: criteria provided, single submitter. Criteria: Ambry Variant Classification Scheme 2023. Collection method: clinical testing. Allele origin: germline.
Comment: The c.2280_2281delTT pathogenic mutation, located in coding exon 11 of the PKP2 gene, results from a deletion of two nucleotides at nucleotide positions 2280 to 2281, causing a translational frameshift with a predicted alternate stop codon (p.L762Afs*3). This variant is considered to be rare based on population cohorts in the Genome Aggregation Database (gnomAD). This alteration is expected to result in loss of function by premature protein truncation or nonsense-mediated mRNA decay. As such, this alteration is interpreted as a disease-causing mutation.

Color Diagnostics, LLC DBA Color Health
Classification: Pathogenic for Cardiomyopathy. Last evaluated: 2023-05-09. Review status: criteria provided, single submitter. Criteria: ACMG Guidelines, 2015. Collection method: clinical testing. Allele origin: germline.
Comment: This variant deletes 2 nucleotides in exon 11 of the PKP2 gene, creating a frameshift and premature translation stop signal. This variant is expected to result in an absent or non-functional protein product. To our knowledge, this variant has not been reported in individuals affected with PKP2-related disorders in the literature. This variant has not been identified in the general population by the Genome Aggregation Database (gnomAD). Loss of PKP2 function is a known mechanism of disease. Based on the available evidence, this variant is classified as Pathogenic.

Labcorp Genetics (formerly Invitae), Labcorp
Classification: Pathogenic for Arrhythmogenic right ventricular dysplasia 9. Last evaluated: 2018-08-31. Review status: criteria provided, single submitter. Criteria: Invitae Variant Classification Sherloc (09022015). Collection method: clinical testing. Allele origin: germline.
Comment: For these reasons, this variant has been classified as Pathogenic. Loss-of-function variants in PKP2 are known to be pathogenic (PMID: 15489853, 23911551). This variant has not been reported in the literature in individuals with PKP2-related disease. This variant is not present in population databases (ExAC no frequency). This sequence change creates a premature translational stop signal (p.Leu762Alafs*3) in the PKP2 gene. It is expected to result in an absent or disrupted protein product.

Literature cited by the submitters: PubMed 15489853 (cited by Labcorp Genetics (formerly Invitae), Labcorp); PubMed 23911551 (cited by Labcorp Genetics (formerly Invitae), Labcorp).